The following is an entry in ClinVar:

NM_152564.5(VPS13B):c.8825T>C (p.Met2942Thr)

Gene: VPS13B (vacuolar protein sorting 13 homolog B; plus strand). Cytogenetic location: 8q22.2.
Variant type: single nucleotide variant.
Coding change: c.8825T>C on transcript NM_152564.5 (MANE Select); coding-DNA position 8825, T replaced by C.
Protein change: p.Met2942Thr; replaces methionine 2942 with threonine.
Molecular consequence: missense variant.
Genome position (GRCh38, 1-based): chr8:99,819,953, T>C. VCF-style: chr8-99819953-T-C. GRCh37 (hg19) VCF-style: chr8-100832181-T-C.
Other names: c.8900T>C, p.Met2967Thr (NM_017890.5); c.8825T>C (NM_152564.4); c.8900T>C (NM_017890.3); short protein forms M2942T, M2967T.
Identifiers: ClinVar variation 934899 (VCV000934899.8), dbSNP rs1305759367, ClinGen allele CA371776940.

ClinVar aggregate classification (germline): Uncertain significance. Review status: criteria provided, multiple submitters, no conflicts (2 of 4 stars). 4 submissions from 4 submitters: Uncertain significance (3). 1 of the submissions does not count toward it. Last evaluated 2026-06-16.

Conditions:
VPS13B-related disorder. Also called: VPS13B-related condition.
Inborn genetic diseases. Identifiers: MedGen C0950123, MeSH D030342.
Cohen syndrome (COH1). Also called: Cutis verticis gyrata, retinitis pigmentosa, and sensorineural deafness; PEPPER SYNDROME. Identifiers: Orphanet 193, MedGen C0265223, MONDO:0008999, OMIM 216550.

Allele frequency attached by ClinVar (database versions not stated): gnomAD 0.00001; gnomAD exomes 0.00001 and 0.00002; TOPMed 0.00001.
gnomAD v4.1: 33 of 1,613,902 alleles (0.002%); highest among the groups gnomAD compares: Non-Finnish European, 0.0026%; no homozygotes.

Submissions (4):

PreventionGenetics, part of Exact Sciences
Classification: Uncertain significance for VPS13B-related condition. Last evaluated: 2026-06-16. Review status: criteria provided, single submitter. Criteria: ACMG Guidelines, 2015. Collection method: clinical testing. Allele origin: germline.
Comment: The VPS13B c.8825T>C variant is predicted to result in the amino acid substitution p.Met2942Thr. To our knowledge, this variant has not been reported in the literature. This variant is reported in 0.0016% of alleles in individuals of European (Non-Finnish) descent in gnomAD. At this time, the clinical significance of this variant is uncertain due to the absence of conclusive functional and genetic evidence.

Ambry Genetics
Classification: Uncertain significance for Inborn genetic diseases. Last evaluated: 2023-08-21. Review status: criteria provided, single submitter. Criteria: Ambry Variant Classification Scheme 2023. Collection method: clinical testing. Allele origin: germline.

Labcorp Genetics (formerly Invitae), Labcorp
Classification: Uncertain significance for Cohen syndrome. Last evaluated: 2019-10-15. Review status: criteria provided, single submitter. Criteria: Invitae Variant Classification Sherloc (09022015). Collection method: clinical testing. Allele origin: germline.
Comment: This sequence change replaces methionine with threonine at codon 2967 of the VPS13B protein (p.Met2967Thr). The methionine residue is moderately conserved and there is a moderate physicochemical difference between methionine and threonine. This variant is not present in population databases (ExAC no frequency). This variant has not been reported in the literature in individuals with VPS13B-related conditions. Algorithms developed to predict the effect of missense changes on protein structure and function are either unavailable or do not agree on the potential impact of this missense change (SIFT: "Deleterious"; PolyPhen-2: "Benign"; Align-GVGD: "Class C0"). In summary, the available evidence is currently insufficient to determine the role of this variant in disease. Therefore, it has been classified as a Variant of Uncertain Significance.

Natera, Inc.
Classification: Uncertain significance for Cohen syndrome. Last evaluated: 2020-03-10. Review status: no assertion criteria provided. Collection method: clinical testing. Allele origin: germline. Not counted in ClinVar's aggregate classification.